The following is an entry in ClinVar:

ClinVar aggregate classification (germline): Uncertain significance (1 of 4 stars; one submission).

Conditions:
Hereditary cancer-predisposing syndrome. Also called: Neoplastic Syndromes, Hereditary; Tumor predisposition; Hereditary Cancer Syndrome; Hereditary neoplastic syndrome. Identifiers: Orphanet 140162, MedGen C0027672, MeSH D009386, MONDO:0015356.

Submission:

Color Diagnostics, LLC DBA Color Health
Classification: Uncertain significance for Hereditary cancer-predisposing syndrome. Last evaluated: 2024-01-29. Review status: criteria provided, single submitter. Criteria: ACMG Guidelines, 2015. Collection method: clinical testing. Allele origin: germline.
Comment: This variant is located in the 5' untranslated region of the PMS2 gene. To our knowledge, functional studies have not been reported for this variant. This variant has not been reported in individuals affected with PMS2-related disorders in the literature. This variant has not been identified in the general population by the Genome Aggregation Database (gnomAD). The available evidence is insufficient to determine the role of this variant in disease conclusively. Therefore, this variant is classified as a Variant of Uncertain Significance.

NM_000535.7(PMS2):c.-9G>T

Gene: PMS2 (PMS1 homolog 2, mismatch repair system component; minus strand). Cytogenetic location: 7p22.1.
Variant type: single nucleotide variant.
Coding change: c.-9G>T on transcript NM_000535.7 (MANE Select); 9 bases upstream of the start codon, G replaced by T.
Molecular consequence: 5 prime UTR variant. On other transcripts: non-coding transcript variant (1).
Genome position (GRCh38, 1-based): chr7:6,009,028, C>A on the plus strand (G>T on the coding strand, the complement: PMS2 is on the minus strand). VCF-style: chr7-6009028-C-A. GRCh37 (hg19) VCF-style: chr7-6048659-C-A.
Other names: c.-409G>T (NM_001322003.2, NM_001322013.2, NM_001406887.1 and 4 more transcripts); c.-274G>T (NM_001322004.2, NM_001322010.2, NM_001406911.1); c.-604G>T (NM_001322005.2); c.-9G>T (NM_001322006.2, NM_001322014.2, NM_001406866.1 and 11 more transcripts); c.-224G>T (NM_001322007.2, NM_001406876.1, NM_001406896.1 and 2 more transcripts); c.-84G>T (NM_001322008.2); c.-599G>T (NM_001322009.2, NM_001406897.1); c.-893G>T (NM_001322011.2); and 19 more.
Identifiers: ClinVar variation 3894499 (VCV003894499.1).